The following is an entry in ClinVar:

ClinVar aggregate classification (germline): Likely pathogenic. Review status: criteria provided, multiple submitters, no conflicts (2 of 4 stars). 2 submissions from 2 submitters: Likely pathogenic (2). Last evaluated 2024-05-01.

Conditions:
Hearing loss, autosomal recessive. Also called: Autosomal recessive nonsyndromic deafness; Rare autosomal recessive non-syndromic sensorineural deafness type DFNB; Deafness, autosomal recessive; Nonsyndromic Hearing Loss, Recessive. Identifiers: Orphanet 90635, Orphanet 90636, MedGen C1846647, MONDO:0019588, OMIM 607197.
Bilateral sensorineural hearing impairment. Also called: Bilateral sensorineural hearing loss. Identifiers: MedGen C0452138, HP:0008619.

Submissions (2):

Laboratory of Human Genetics, Universidade de São Paulo
Classification: Likely pathogenic for Hearing loss, autosomal recessive. Last evaluated: 2024-05-01. Review status: criteria provided, single submitter. Criteria: ClinGen HL ACMG Specifications v1. Collection method: research. Allele origin: paternal. Affected: yes. Observed: 2 variant alleles.
Comment: The OTOF:NM_194248.2:c.4541A>G variant has extremely low frequency in gnomAD population databases, it is associated with a recessive disorder, detected in trans with a pathogenic variant, in compound heterozygous state in affected cases (PM3); Cosegregation with disease in multiple affected family members in a gene definitively known to cause the disease (PP1), computational prediction tools unanimously support a deleterious effect on the gene (PP3). Here it was found in trans with c.4960G>A in two affected siblings.

Laboratory of Human Genetics, Institute of Biosciences - University of Sao Paulo
Classification: Likely pathogenic for Bilateral sensorineural hearing impairment. Review status: criteria provided, single submitter. Criteria: ClinGen HL ACMG Specifications v1. Collection method: research. Allele origin: germline. Affected: yes. Observed: 1 compound heterozygote.

Literature cited by the submitters: PubMed 34652575 (cited by Laboratory of Human Genetics, Institute of Biosciences - University of Sao Paulo); PubMed 19461658 (cited by Laboratory of Human Genetics, Institute of Biosciences - University of Sao Paulo).

NM_194248.3(OTOF):c.4541A>G (p.Asp1514Gly)

Gene: OTOF (otoferlin; minus strand). Cytogenetic location: 2p23.3.
Variant type: single nucleotide variant.
Coding change: c.4541A>G on transcript NM_194248.3 (MANE Select); coding-DNA position 4541, A replaced by G.
Protein change: p.Asp1514Gly; replaces aspartic acid 1514 with glycine.
Molecular consequence: missense variant.
Genome position (GRCh38, 1-based): chr2:26,466,036, T>C on the plus strand (A>G on the coding strand, the complement: OTOF is on the minus strand). VCF-style: chr2-26466036-T-C. GRCh37 (hg19) VCF-style: chr2-26688904-T-C.
Other names: c.4541A>G, p.Asp1514Gly (NM_001287489.2); c.2240A>G, p.Asp747Gly (NM_004802.4, NM_194323.3); c.2471A>G, p.Asp824Gly (NM_194322.3); c.4541A>G (NM_194248.2); short protein forms D1514G, D747G, D824G.
Identifiers: ClinVar variation 1185574 (VCV001185574.2), dbSNP rs2148028248, ClinGen allele CA346136081.
Genomic context (GRCh38, chr2:26,466,036, plus strand): 5'-GAGATGTAGTTCTCCTTGTCGCGGATGTCAGTCTTGCCTAGCCGGATGGCGATGTAGGGG[T>C]CAGCTTTGCCGTTGATGTCAGCAGGGTGCAGGTCCGTGGCCTGGAATGGGGAGAAGGGCT-3'
Protein context (NP_919224.1, residues 1504-1524): LHPADINGKA[Asp1514Gly]PYIAIRLGKT